The following is an entry in ClinVar:

NM_198880.3(QRICH1):c.1990A>G (p.Lys664Glu)

Gene: QRICH1 (glutamine rich 1; minus strand). Cytogenetic location: 3p21.31.
Variant type: single nucleotide variant.
Coding change: c.1990A>G on transcript NM_198880.3 (MANE Select); coding-DNA position 1990, A replaced by G.
Protein change: p.Lys664Glu; replaces lysine 664 with glutamic acid.
Molecular consequence: missense variant.
Genome position (GRCh38, 1-based): chr3:49,032,679, T>C on the plus strand (A>G on the coding strand, the complement: QRICH1 is on the minus strand). VCF-style: chr3-49032679-T-C. GRCh37 (hg19) VCF-style: chr3-49070112-T-C.
Other names: c.1990A>G, p.Lys664Glu (NM_017730.4, NM_001320580.2, NM_001320581.2 and 4 more transcripts); short protein forms K664E.
Identifiers: ClinVar variation 3373046 (VCV003373046.1).
Genomic context (GRCh38, chr3:49,032,679, plus strand): 5'-TACCTTTCTGGCCAGTCTGGTGTATTCCAAGGGCCTTCAAGTACCGGATACTCGTGCTTT[T>C]ATCCTTGGGATTAGAGGGGTTCTTCTTTGTCTGTCGCAAGACCTTGGAGAAGGCCAGCTT-3'
Protein context (NP_942581.1, residues 654-674): TKKNPSNPKD[Lys664Glu]STSIRYLKAL

ClinVar aggregate classification (germline): Uncertain significance (1 of 4 stars; one submission).

Submission:

GeneDx
Classification: Uncertain significance. Last evaluated: 2024-04-26. Review status: criteria provided, single submitter. Criteria: GeneDx Variant Classification Process June 2021. Collection method: clinical testing. Allele origin: germline. Affected: yes.
Comment: Not observed at significant frequency in large population cohorts (gnomAD); In silico analysis indicates that this missense variant does not alter protein structure/function; Has not been previously published as pathogenic or benign to our knowledge